The following is an entry in ClinVar:

NM_001384732.1(CPLANE1):c.7616C>T (p.Ala2539Val)

Gene: CPLANE1 (ciliogenesis and planar polarity effector complex subunit 1; minus strand). Cytogenetic location: 5p13.2.
Variant type: single nucleotide variant.
Coding change: c.7616C>T on transcript NM_001384732.1 (MANE Select); coding-DNA position 7616, C replaced by T.
Protein change: p.Ala2539Val; replaces alanine 2539 with valine.
Molecular consequence: missense variant.
Genome position (GRCh38, 1-based): chr5:37,162,539, G>A on the plus strand (C>T on the coding strand, the complement: CPLANE1 is on the minus strand). VCF-style: chr5-37162539-G-A. GRCh37 (hg19) VCF-style: chr5-37162641-G-A.
Other names: c.7616C>T, p.Ala2539Val (NM_023073.4); short protein forms A2539V.
Identifiers: ClinVar variation 376868 (VCV000376868.13), dbSNP rs150595284, ClinGen allele CA3237992.

ClinVar aggregate classification (germline): Uncertain significance. Review status: criteria provided, multiple submitters, no conflicts (2 of 4 stars). 8 submissions from 8 submitters: Uncertain significance (6). 2 of the submissions do not count toward it. Last evaluated 2025-04-27.

Conditions:
Joubert syndrome 17 (JBTS17). Identifiers: Orphanet 475, MedGen C3553264, MONDO:0013824, OMIM 614615.
CPLANE1-related disorder. Also called: CPLANE1-related condition.
Orofaciodigital syndrome type 6 (OFD6). Also called: OROFACIODIGITAL SYNDROME VI; OFDS VI; POLYDACTYLY, CLEFT LIP/PALATE OR LINGUAL LUMP, AND PSYCHOMOTOR RETARDATION; VARADI SYNDROME; VARADI-PAPP SYNDROME; Oral-facial-digital syndrome type 6. Identifiers: Orphanet 2754, MedGen C2745997, MONDO:0010176, OMIM 277170.

Allele frequency attached by ClinVar (database versions not stated): ExAC 0.00017; gnomAD exomes 0.00019 and 0.00050; TOPMed 0.00027; gnomAD 0.00029; ESP Exome Variant Server 0.00031.
gnomAD v4.1: 760 of 1,611,288 alleles (0.047%); highest among the groups gnomAD compares: Non-Finnish European, 0.062%; no homozygotes.

Submissions (8):

PreventionGenetics, part of Exact Sciences
Classification: Uncertain significance for CPLANE1-related condition. Last evaluated: 2025-04-27. Review status: criteria provided, single submitter. Criteria: ACMG Guidelines, 2015. Collection method: clinical testing. Allele origin: germline.
Comment: The CPLANE1 c.7616C>T variant is predicted to result in the amino acid substitution p.Ala2539Val. To our knowledge, this variant has not been reported in the literature. This variant is reported in 0.040% of alleles in individuals of European (Non-Finnish) descent in gnomAD. At this time, the clinical significance of this variant is uncertain due to the absence of conclusive functional and genetic evidence.

Blueprint Genetics
Classification: Uncertain significance. Last evaluated: 2024-11-05. Review status: criteria provided, single submitter. Criteria: ACMG Guidelines, 2015. Collection method: clinical testing. Allele origin: germline.

Labcorp Genetics (formerly Invitae), Labcorp
Classification: Uncertain significance. Last evaluated: 2022-09-14. Review status: criteria provided, single submitter. Criteria: Invitae Variant Classification Sherloc (09022015). Collection method: clinical testing. Allele origin: germline.
Comment: This sequence change replaces alanine, which is neutral and non-polar, with valine, which is neutral and non-polar, at codon 2539 of the CPLANE1 protein (p.Ala2539Val). This variant is present in population databases (rs150595284, gnomAD 0.04%). This variant has not been reported in the literature in individuals affected with CPLANE1-related conditions. ClinVar contains an entry for this variant (Variation ID: 376868). Advanced modeling of protein sequence and biophysical properties (such as structural, functional, and spatial information, amino acid conservation, physicochemical variation, residue mobility, and thermodynamic stability) performed at Invitae indicates that this missense variant is not expected to disrupt CPLANE1 protein function. Algorithms developed to predict the effect of sequence changes on RNA splicing suggest that this variant may disrupt the consensus splice site. In summary, the available evidence is currently insufficient to determine the role of this variant in disease. Therefore, it has been classified as a Variant of Uncertain Significance.

Fulgent Genetics
Classification: Uncertain significance for Orofaciodigital syndrome type 6; Joubert syndrome 17. Last evaluated: 2022-02-02. Review status: criteria provided, single submitter. Criteria: ACMG Guidelines, 2015. Collection method: clinical testing. Allele origin: unknown.

Illumina Laboratory Services, Illumina
Classification: Uncertain significance for Joubert syndrome 17. Last evaluated: 2018-01-12. Review status: criteria provided, single submitter. Criteria: ICSL Variant Classification Criteria 13 December 2019. Collection method: clinical testing. Allele origin: germline.

Center for Pediatric Genomic Medicine, Children's Mercy Hospital and Clinics
Classification: Uncertain significance. Last evaluated: 2017-01-31. Review status: criteria provided, single submitter. Criteria: ACMG Guidelines, 2015. Collection method: clinical testing. Allele origin: germline.
ClinVar note: Converted during submission from Uncertain Significance to Uncertain significance.

Clinical Genetics DNA and cytogenetics Diagnostics Lab, Erasmus MC, Erasmus Medical Center
Classification: Uncertain significance. Review status: no assertion criteria provided. Collection method: clinical testing. Allele origin: germline. Affected: yes. Study: VKGL Data-share Consensus. Not counted in ClinVar's aggregate classification.

Diagnostic Laboratory, Department of Genetics, University Medical Center Groningen
Classification: Uncertain significance. Review status: no assertion criteria provided. Collection method: clinical testing. Allele origin: germline. Affected: yes. Study: VKGL Data-share Consensus. Not counted in ClinVar's aggregate classification.